The following is an entry in ClinVar:

NM_000516.7(GNAS):c.178A>G (p.Met60Val)

Gene: GNAS (GNAS complex locus; plus strand). Cytogenetic location: 20q13.32.
Variant type: single nucleotide variant.
Coding change: c.178A>G on transcript NM_000516.7 (MANE Select); coding-DNA position 178, A replaced by G.
Protein change: p.Met60Val; replaces methionine 60 with valine.
Molecular consequence: missense variant. On other transcripts: 3 prime UTR variant (3), initiator codon variant (2), non-coding transcript variant (2).
Genome position (GRCh38, 1-based): chr20:58,895,650, A>G. VCF-style: chr20-58895650-A-G. GRCh37 (hg19) VCF-style: chr20-57470705-A-G.
Other names: c.178A>G, p.Met60Val (NM_001077488.5, NM_001077489.4, NM_001309842.2 and 1 more transcripts); c.*39A>G (NM_001077490.3); c.1A>G, p.Met1Val (NM_001309840.2, NM_001309861.2); c.*197A>G (NM_001309883.1); c.*81A>G (NM_016592.5); c.2107A>G, p.Met703Val (NM_080425.4); short protein forms M1V, M60V, M703V.
Identifiers: ClinVar variation 1059957 (VCV001059957.10), dbSNP rs2146005979, ClinGen allele CA409449665.

ClinVar aggregate classification (germline): Uncertain significance. Review status: criteria provided, multiple submitters, no conflicts (2 of 4 stars). 2 submissions from 2 submitters: Uncertain significance (2). Last evaluated 2021-05-21.

Submissions (2):

Johns Hopkins Genomics, Johns Hopkins University
Classification: Uncertain significance. Last evaluated: 2021-05-21. Review status: criteria provided, single submitter. Criteria: ACMG Guidelines, 2015. Collection method: clinical testing. Allele origin: germline.

Labcorp Genetics (formerly Invitae), Labcorp
Classification: Uncertain significance. Last evaluated: 2018-04-23. Review status: criteria provided, single submitter. Criteria: Invitae Variant Classification Sherloc (09022015). Collection method: clinical testing. Allele origin: germline.
Comment: In summary, the available evidence is currently insufficient to determine the role of this variant in disease. Therefore, it has been classified as a Variant of Uncertain Significance. This sequence change replaces methionine with valine at codon 60 of the GNAS protein (p.Met60Val). The methionine residue is highly conserved and there is a small physicochemical difference between methionine and valine. This variant is not present in population databases (ExAC no frequency). This variant has not been reported in the literature in individuals with GNAS-related disease. Algorithms developed to predict the effect of missense changes on protein structure and function do not agree on the potential impact of this missense change (SIFT: "Deleterious"; PolyPhen-2: "Possibly Damaging"; Align-GVGD: "Class C0"). Algorithms developed to predict the effect of sequence changes on RNA splicing suggest that this variant may create or strengthen a splice site, but this prediction has not been confirmed by published transcriptional studies.